The following is an entry in ClinVar:

ClinVar aggregate classification (germline): Uncertain significance (1 of 4 stars; one submission).

Conditions:
Hereditary cancer-predisposing syndrome. Also called: Tumor predisposition; Hereditary neoplastic syndrome; Hereditary Cancer Syndrome; Neoplastic Syndromes, Hereditary. Identifiers: Orphanet 140162, MedGen C0027672, MeSH D009386, MONDO:0015356.

Submission:

Ambry Genetics
Classification: Uncertain significance for Hereditary cancer-predisposing syndrome. Last evaluated: 2025-03-15. Review status: criteria provided, single submitter. Criteria: Ambry Variant Classification Scheme 2023. Collection method: clinical testing. Allele origin: germline.
Comment: The p.D1623G variant (also known as c.4868A>G), located in coding exon 37 of the POLE gene, results from an A to G substitution at nucleotide position 4868. The aspartic acid at codon 1623 is replaced by glycine, an amino acid with similar properties. This amino acid position is conserved. In addition, the in silico prediction for this alteration is inconclusive. Based on the available evidence, the clinical significance of this variant remains unclear.

NM_006231.4(POLE):c.4868A>G (p.Asp1623Gly)

Gene: POLE (DNA polymerase epsilon, catalytic subunit; minus strand). Cytogenetic location: 12q24.33.
Variant type: single nucleotide variant.
Coding change: c.4868A>G on transcript NM_006231.4 (MANE Select); coding-DNA position 4868, A replaced by G.
Protein change: p.Asp1623Gly; replaces aspartic acid 1623 with glycine.
Molecular consequence: missense variant.
Genome position (GRCh38, 1-based): chr12:132,642,590, T>C on the plus strand (A>G on the coding strand, the complement: POLE is on the minus strand). VCF-style: chr12-132642590-T-C. GRCh37 (hg19) VCF-style: chr12-133219176-T-C.
Other names: short protein forms D1623G.
Identifiers: ClinVar variation 3935695 (VCV003935695.1).